The following is an entry in ClinVar:

NM_001376.5(DYNC1H1):c.4669A>G (p.Ile1557Val)

Gene: DYNC1H1 (dynein cytoplasmic 1 heavy chain 1; plus strand). Cytogenetic location: 14q32.31.
Variant type: single nucleotide variant.
Coding change: c.4669A>G on transcript NM_001376.5 (MANE Select); coding-DNA position 4669, A replaced by G.
Protein change: p.Ile1557Val; replaces isoleucine 1557 with valine.
Molecular consequence: missense variant.
Genome position (GRCh38, 1-based): chr14:102,002,663, A>G. VCF-style: chr14-102002663-A-G. GRCh37 (hg19) VCF-style: chr14-102469000-A-G.
Other names: short protein forms I1557V.
Identifiers: ClinVar variation 3636143 (VCV003636143.2).

ClinVar aggregate classification (germline): Uncertain significance (1 of 4 stars; one submission).

Conditions:
Charcot-Marie-Tooth disease axonal type 2O. Also called: Charcot-Marie-Tooth disease, axonal, type 20; CHARCOT-MARIE-TOOTH NEUROPATHY, AXONAL, TYPE 2O; CHARCOT-MARIE-TOOTH DISEASE, AXONAL, AUTOSOMAL DOMINANT, TYPE 2O; Charcot-Marie-Tooth Neuropathy Type 2O. Identifiers: Orphanet 284232, MedGen C3280220, MONDO:0013644, OMIM 614228.

gnomAD v4.1: 1 of 1,614,240 alleles (0.000062%); highest among the groups gnomAD compares: Non-Finnish European, 0.000085%; no homozygotes.

Submission:

Labcorp Genetics (formerly Invitae), Labcorp
Classification: Uncertain significance for Charcot-Marie-Tooth disease axonal type 2O. Last evaluated: 2024-08-15. Review status: criteria provided, single submitter. Criteria: Invitae Variant Classification Sherloc (09022015). Collection method: clinical testing. Allele origin: germline.
Comment: This sequence change replaces isoleucine, which is neutral and non-polar, with valine, which is neutral and non-polar, at codon 1557 of the DYNC1H1 protein (p.Ile1557Val). This variant is not present in population databases (gnomAD no frequency). This variant has not been reported in the literature in individuals affected with DYNC1H1-related conditions. Invitae Evidence Modeling of protein sequence and biophysical properties (such as structural, functional, and spatial information, amino acid conservation, physicochemical variation, residue mobility, and thermodynamic stability) indicates that this missense variant is expected to disrupt DYNC1H1 protein function with a positive predictive value of 95%. In summary, the available evidence is currently insufficient to determine the role of this variant in disease. Therefore, it has been classified as a Variant of Uncertain Significance.